The following is an entry in ClinVar:

NM_014413.4(EIF2AK1):c.929A>G (p.Asn310Ser)

Gene: EIF2AK1 (eukaryotic translation initiation factor 2 alpha kinase 1; minus strand). Cytogenetic location: 7p22.1.
Variant type: single nucleotide variant.
Coding change: c.929A>G on transcript NM_014413.4 (MANE Select); coding-DNA position 929, A replaced by G.
Protein change: p.Asn310Ser; replaces asparagine 310 with serine.
Molecular consequence: missense variant.
Genome position (GRCh38, 1-based): chr7:6,041,082, T>C on the plus strand (A>G on the coding strand, the complement: EIF2AK1 is on the minus strand). VCF-style: chr7-6041082-T-C. GRCh37 (hg19) VCF-style: chr7-6080713-T-C.
Other names: c.926A>G, p.Asn309Ser (NM_001134335.2); c.929A>G (NM_014413.3); short protein forms N310S, N309S.
Identifiers: ClinVar variation 2123278 (VCV002123278.6), dbSNP rs1348713109, ClinGen allele CA366753900.

ClinVar aggregate classification (germline): Conflicting classifications of pathogenicity. Review status: criteria provided, conflicting classifications (1 of 4 stars). 2 submissions from 2 submitters: Uncertain significance (1); Likely benign (1). Last evaluated 2023-08-19.

Allele frequency attached by ClinVar (database versions not stated): gnomAD exomes 0.00001; TOPMed 0.00001.
gnomAD v4.1: 5 of 1,614,128 alleles (0.00031%); highest among the groups gnomAD compares: South Asian, 0.0022%; no homozygotes.

Submissions (2):

Ambry Genetics
Classification: Likely benign. Last evaluated: 2023-08-19. Review status: criteria provided, single submitter. Criteria: Ambry Variant Classification Scheme 2023. Collection method: clinical testing. Allele origin: germline.

Labcorp Genetics (formerly Invitae), Labcorp
Classification: Uncertain significance. Last evaluated: 2022-10-05. Review status: criteria provided, single submitter. Criteria: Invitae Variant Classification Sherloc (09022015). Collection method: clinical testing. Allele origin: germline.
Comment: This variant has not been reported in the literature in individuals affected with EIF2AK1-related conditions. In summary, the available evidence is currently insufficient to determine the role of this variant in disease. Therefore, it has been classified as a Variant of Uncertain Significance. Algorithms developed to predict the effect of missense changes on protein structure and function output the following: SIFT: "Tolerated"; PolyPhen-2: "Benign"; Align-GVGD: "Class C0". The serine amino acid residue is found in multiple mammalian species, which suggests that this missense change does not adversely affect protein function. This variant is present in population databases (no rsID available, gnomAD 0.0009%). This sequence change replaces asparagine, which is neutral and polar, with serine, which is neutral and polar, at codon 310 of the EIF2AK1 protein (p.Asn310Ser).